The following is an entry in ClinVar:

ClinVar aggregate classification (germline): Likely benign. Review status: criteria provided, multiple submitters, no conflicts (2 of 4 stars). 4 submissions from 4 submitters: Likely benign (4). Last evaluated 2026-02-02.

Conditions:
Hereditary cancer-predisposing syndrome. Also called: Hereditary Cancer Syndrome; Hereditary neoplastic syndrome; Neoplastic Syndromes, Hereditary; Tumor predisposition. Identifiers: Orphanet 140162, MedGen C0027672, MeSH D009386, MONDO:0015356.
Familial adenomatous polyposis 1 (FAP1). Also called: FAMILIAL ADENOMATOUS POLYPOSIS 1, ATTENUATED; POLYPOSIS, ADENOMATOUS INTESTINAL. Identifiers: MedGen C2713442, MONDO:0021056, OMIM 175100. Disease mechanism: loss of function.

Allele frequency attached by ClinVar (database versions not stated): gnomAD 0.00002; gnomAD exomes 0.00002; TOPMed 0.00004.
gnomAD v4.1: 26 of 1,605,008 alleles (0.0016%); highest among the groups gnomAD compares: African/African-American, 0.004%; no homozygotes.

Submissions (4):

Labcorp Genetics (formerly Invitae), Labcorp
Classification: Likely benign for Familial adenomatous polyposis 1. Last evaluated: 2026-02-02. Review status: criteria provided, single submitter. Criteria: Invitae Variant Classification Sherloc (09022015). Collection method: clinical testing. Allele origin: germline.

Myriad Genetics, Inc.
Classification: Likely benign for Familial adenomatous polyposis 1. Last evaluated: 2024-03-06. Review status: criteria provided, single submitter. Criteria: Myriad Autosomal Dominant, Autosomal Recessive and X-Linked Classification Criteria (2023). Collection method: clinical testing. Allele origin: unknown.
Comment: This variant is considered likely benign. This variant is intronic and is not expected to impact mRNA splicing.

Color Diagnostics, LLC DBA Color Health
Classification: Likely benign for Hereditary cancer-predisposing syndrome. Last evaluated: 2018-03-23. Review status: criteria provided, single submitter. Criteria: ACMG Guidelines, 2015. Collection method: clinical testing. Allele origin: germline.

GeneDx
Classification: Likely benign. Last evaluated: 2016-11-04. Review status: criteria provided, single submitter. Criteria: GeneDx Variant Classification (06012015). Collection method: clinical testing. Allele origin: germline. Affected: yes.
Comment: This variant is considered likely benign or benign based on one or more of the following criteria: it is a conservative change, it occurs at a poorly conserved position in the protein, it is predicted to be benign by multiple in silico algorithms, and/or has population frequency not consistent with disease.

NM_000038.6(APC):c.1744-19A>G

Gene: APC (APC regulator of Wnt signaling pathway; plus strand). Cytogenetic location: 5q22.2.
Variant type: single nucleotide variant.
Coding change: c.1744-19A>G on transcript NM_000038.6 (MANE Select); 19 bases into the intron before coding-DNA position 1744, A replaced by G.
Molecular consequence: intron variant.
Genome position (GRCh38, 1-based): chr5:112,834,932, A>G. VCF-style: chr5-112834932-A-G. GRCh37 (hg19) VCF-style: chr5-112170629-A-G.
Other names: c.1744-19A>G (NM_001354895.2, NM_001127510.3); c.1774-19A>G (NM_001354897.2); c.1471-19A>G (NM_001354902.2); c.1690-19A>G (NM_001127511.3); c.1669-19A>G (NM_001354898.2); c.1366-19A>G (NM_001354904.2); c.895-19A>G (NM_001354906.2); c.1798-19A>G (NM_001354896.2); and 5 more.
Identifiers: ClinVar variation 384186 (VCV000384186.12), dbSNP rs762654419, ClinGen allele CA16605151.
Genomic context (GRCh38, chr5:112,834,932, plus strand): 5'-TTCAATATCAGTAACATAGAAGTTAATGAGAGACAAATTCCAACTCTAATTAGATGACCC[A>G]TATTCTGTTTCTTACTAGGAATCAACCCTCAAAAGCGTATTGAGTGCCTTATGGAATTTG-3'